The following is an entry in ClinVar:

ClinVar aggregate classification (germline): Pathogenic (1 of 4 stars; one submission).

Conditions:
Phenylketonuria (PKU). Also called: Phenylketonuria (PKU); FOLLING DISEASE; OLIGOPHRENIA PHENYLPYRUVICA; Phenylketonurias. Identifiers: Orphanet 716, MedGen C0031485, MONDO:0009861, OMIM 261600. Disease mechanism: loss of function.

Submission:

Labcorp Genetics (formerly Invitae), Labcorp
Classification: Pathogenic for Phenylketonuria. Last evaluated: 2017-05-26. Review status: criteria provided, single submitter. Criteria: Invitae Variant Classification Sherloc (09022015). Collection method: clinical testing. Allele origin: germline.
Comment: This sequence change deletes 742 nucleotides from exon 6 and intron 6 of the PAH mRNA (c.553_706+647del), causing a frameshift at codon 185. This creates a premature translational stop signal (p.Lys185Leufs*105) and is expected to result in an absent or disrupted protein product. While this particular variant has not been reported in the literature, loss-of-function variants in PAH are known to be pathogenic (PMID: 1301187, 9634518). For these reasons, this variant has been classified as Pathogenic.

NM_000277.3(PAH):c.553_706+647del

Gene: PAH (phenylalanine hydroxylase; minus strand). Cytogenetic location: 12q23.2.
Variant type: Deletion.
Coding change: c.553_706+647del on transcript NM_000277.3 (MANE Select); coding-DNA position 553 through 647 bases into the intron after coding-DNA position 706, 801 bases deleted.
Molecular consequence: splice donor variant.
Genome position (GRCh38, 1-based): chr12:102,854,489-102,855,289, 801 bases deleted. GRCh37 (hg19): chr12:103,248,269-103,249,069.
Other names: c.553_706+647del (NM_001354304.2).
Identifiers: ClinVar variation 458079 (VCV000458079.1), ClinGen allele CA658656325.